The following is an entry in ClinVar:

ClinVar aggregate classification (germline): Uncertain significance (1 of 4 stars; one submission).

Conditions:
TTN-related disorder. Also called: TTN-related disorders; TTN-related condition; TTN-related disease.

gnomAD v4.1: 7 of 1,605,830 alleles (0.00044%); highest among the groups gnomAD compares: Non-Finnish European, 0.0006%; no homozygotes.

Submission:

PreventionGenetics, part of Exact Sciences
Classification: Uncertain significance for TTN-related condition. Last evaluated: 2026-05-07. Review status: criteria provided, single submitter. Criteria: ACMG Guidelines, 2015. Collection method: clinical testing. Allele origin: germline.
Comment: The TTN c.25072C>T variant is predicted to result in the amino acid substitution p.Leu8358Phe. To our knowledge, this variant has not been reported in the literature or in a large population database (gnomAD), indicating this variant is rare. At this time, the clinical significance of this variant is uncertain due to the absence of conclusive functional and genetic evidence.

NM_001267550.2(TTN):c.25072C>T (p.Leu8358Phe)

Gene: TTN (titin; minus strand). Cytogenetic location: 2q31.2.
Variant type: single nucleotide variant.
Coding change: c.25072C>T on transcript NM_001267550.2 (MANE Select); coding-DNA position 25072, C replaced by T.
Protein change: p.Leu8358Phe; replaces leucine 8358 with phenylalanine.
Molecular consequence: missense variant. On other transcripts: intron variant (3).
Genome position (GRCh38, 1-based): chr2:178,717,802, G>A on the plus strand (C>T on the coding strand, the complement: TTN is on the minus strand). VCF-style: chr2-178717802-G-A. GRCh37 (hg19) VCF-style: chr2-179582529-G-A.
Other names: c.24121C>T, p.Leu8041Phe (NM_001256850.1); c.21340C>T, p.Leu7114Phe (NM_133378.4); c.13282+20280C>T (NM_003319.4); c.13858+20280C>T (NM_133437.4); c.13657+20280C>T (NM_133432.3); short protein forms L7114F, L8041F, L8358F.
Identifiers: ClinVar variation 4983884 (VCV004983884.1).